The following is an entry in ClinVar:

ClinVar aggregate classification (germline): Uncertain significance (1 of 4 stars; one submission).

Conditions:
PRKAG2-related cardiomyopathy. Identifiers: MedGen CN375941, MONDO:0800484.

Submission:

Helix
Classification: Uncertain significance for PRKAG2-related cardiomyopathy. Last evaluated: 2025-11-21. Review status: criteria provided, single submitter. Criteria: ACMG Guidelines, 2015. Collection method: clinical testing. Allele origin: germline. Inheritance: Autosomal dominant inheritance.
Comment: This variant (NM_016203.4:c.866T>A p.Val289Asp) results in the substitution of valine with aspartic acid at codon 289 in the PRKAG2 protein. It is a rare variant that is absent from the large gnomAD population database (v4.1). To our knowledge, this variant has not been reported in individuals with PRKAG2-related conditions in the published literature. In silico prediction from REVEL (PMID: 27666373) suggests that this variant may be deleterious. In conclusion, since the available evidence is limited, the clinical significance of this variant is unclear at this time. Therefore, it is classified as a Variant of Uncertain Significance.

NM_016203.4(PRKAG2):c.866T>A (p.Val289Asp)

Gene: PRKAG2 (protein kinase AMP-activated non-catalytic subunit gamma 2; minus strand). Cytogenetic location: 7q36.1.
Variant type: single nucleotide variant.
Coding change: c.866T>A on transcript NM_016203.4 (MANE Select); coding-DNA position 866, T replaced by A.
Protein change: p.Val289Asp; replaces valine 289 with aspartic acid.
Molecular consequence: missense variant.
Genome position (GRCh38, 1-based): chr7:151,576,451, A>T on the plus strand (T>A on the coding strand, the complement: PRKAG2 is on the minus strand). VCF-style: chr7-151576451-A-T. GRCh37 (hg19) VCF-style: chr7-151273537-A-T.
Other names: c.734T>A, p.Val245Asp (NM_001040633.2, NM_001407024.1); c.491T>A, p.Val164Asp (NM_001304527.2, NM_001407029.1); c.143T>A, p.Val48Asp (NM_001304531.2, NM_001407034.1, NM_001407035.1 and 1 more transcripts); c.494T>A, p.Val165Asp (NM_001363698.2, NM_001407028.1); c.866T>A, p.Val289Asp (NM_001407021.1); c.863T>A, p.Val288Asp (NM_001407022.1, NM_001407023.1); c.731T>A, p.Val244Asp (NM_001407026.1, NM_001407027.1); c.578T>A, p.Val193Asp (NM_001407030.1); and 6 more; short protein forms V164D, V165D, V181D, V183D, V192D, V193D, V244D, V245D.
Identifiers: ClinVar variation 4890817 (VCV004890817.1).